The following is an entry in ClinVar:

NM_002905.5(RDH5):c.596G>A (p.Arg199Gln)

Genes: BLOC1S1-RDH5 (BLOC1S1-RDH5 readthrough; plus strand), CD63 (CD63 molecule; minus strand), RDH5 (retinol dehydrogenase 5; plus strand). Cytogenetic location: 12q13.2.
Variant type: single nucleotide variant.
Coding change: c.596G>A on transcript NM_002905.5 (MANE Select); coding-DNA position 596, G replaced by A.
Protein change: p.Arg199Gln; replaces arginine 199 with glutamine.
Molecular consequence: missense variant. On other transcripts: non-coding transcript variant (1).
Genome position (GRCh38, 1-based): chr12:55,723,912, G>A. VCF-style: chr12-55723912-G-A. GRCh37 (hg19) VCF-style: chr12-56117696-G-A.
Other names: c.596G>A, p.Arg199Gln (NM_001199771.3); c.596G>A (NM_002905.3); short protein forms R199Q.
Identifiers: ClinVar variation 1020654 (VCV001020654.10), dbSNP rs200846937, ClinGen allele CA6616893.

ClinVar aggregate classification (germline): Uncertain significance. Review status: criteria provided, multiple submitters, no conflicts (2 of 4 stars). 2 submissions from 2 submitters: Uncertain significance (2). Last evaluated 2023-06-29.

Conditions:
Inborn genetic diseases. Identifiers: MedGen C0950123, MeSH D030342.

Allele frequency attached by ClinVar (database versions not stated): gnomAD 0.00004; TOPMed 0.00004; ExAC 0.00007; gnomAD exomes 0.00007; 1000 Genomes Project 30x 0.00016; 1000 Genomes Project 0.00020.
gnomAD v4.1: 41 of 1,614,070 alleles (0.0025%); highest among the groups gnomAD compares: East Asian, 0.065%; no homozygotes.

Submissions (2):

Ambry Genetics
Classification: Uncertain significance for Inborn genetic diseases. Last evaluated: 2023-06-29. Review status: criteria provided, single submitter. Criteria: Ambry Variant Classification Scheme 2023. Collection method: clinical testing. Allele origin: germline.

Labcorp Genetics (formerly Invitae), Labcorp
Classification: Uncertain significance. Last evaluated: 2022-10-17. Review status: criteria provided, single submitter. Criteria: Invitae Variant Classification Sherloc (09022015). Collection method: clinical testing. Allele origin: germline.
Comment: This sequence change replaces arginine, which is basic and polar, with glutamine, which is neutral and polar, at codon 199 of the RDH5 protein (p.Arg199Gln). This variant is present in population databases (rs200846937, gnomAD 0.1%). This variant has not been reported in the literature in individuals affected with RDH5-related conditions. ClinVar contains an entry for this variant (Variation ID: 1020654). Advanced modeling of protein sequence and biophysical properties (such as structural, functional, and spatial information, amino acid conservation, physicochemical variation, residue mobility, and thermodynamic stability) performed at Invitae indicates that this missense variant is not expected to disrupt RDH5 protein function. In summary, the available evidence is currently insufficient to determine the role of this variant in disease. Therefore, it has been classified as a Variant of Uncertain Significance.